The following is an entry in ClinVar:

NM_001378120.1(MBD5):c.14A>G (p.Lys5Arg)

Gene: MBD5 (methyl-CpG binding domain protein 5; plus strand). Cytogenetic location: 2q23.1.
Variant type: single nucleotide variant.
Coding change: c.14A>G on transcript NM_001378120.1 (MANE Select); coding-DNA position 14, A replaced by G.
Protein change: p.Lys5Arg; replaces lysine 5 with arginine.
Molecular consequence: missense variant.
Genome position (GRCh38, 1-based): chr2:148,458,772, A>G. VCF-style: chr2-148458772-A-G. GRCh37 (hg19) VCF-style: chr2-149216341-A-G.
Other names: c.14A>G, p.Lys5Arg (NM_018328.5); short protein forms K5R.
Identifiers: ClinVar variation 3653091 (VCV003653091.2).

ClinVar aggregate classification (germline): Uncertain significance (1 of 4 stars; one submission).

Conditions:
Intellectual developmental disorder, autosomal dominant 1. Also called: MBD5 Haploinsufficiency; Intellectual disability, autosomal dominant 1. Identifiers: Orphanet 228402, MedGen C1969562, MONDO:0007974, OMIM 156200.

Submission:

Labcorp Genetics (formerly Invitae), Labcorp
Classification: Uncertain significance for Intellectual developmental disorder, autosomal dominant 1. Last evaluated: 2024-05-12. Review status: criteria provided, single submitter. Criteria: Invitae Variant Classification Sherloc (09022015). Collection method: clinical testing. Allele origin: germline.
Comment: This sequence change replaces lysine, which is basic and polar, with arginine, which is basic and polar, at codon 5 of the MBD5 protein (p.Lys5Arg). This variant is not present in population databases (gnomAD no frequency). This variant has not been reported in the literature in individuals affected with MBD5-related conditions. Advanced modeling of protein sequence and biophysical properties (such as structural, functional, and spatial information, amino acid conservation, physicochemical variation, residue mobility, and thermodynamic stability) performed at Invitae indicates that this missense variant is not expected to disrupt MBD5 protein function with a negative predictive value of 80%. In summary, the available evidence is currently insufficient to determine the role of this variant in disease. Therefore, it has been classified as a Variant of Uncertain Significance.